The following is an entry in ClinVar:

NM_000260.4(MYO7A):c.1087C>T (p.Pro363Ser)

Gene: MYO7A (myosin VIIA; plus strand). Cytogenetic location: 11q13.5.
Variant type: single nucleotide variant.
Coding change: c.1087C>T on transcript NM_000260.4 (MANE Select); coding-DNA position 1087, C replaced by T.
Protein change: p.Pro363Ser; replaces proline 363 with serine.
Molecular consequence: missense variant.
Genome position (GRCh38, 1-based): chr11:77,160,169, C>T. VCF-style: chr11-77160169-C-T. GRCh37 (hg19) VCF-style: chr11-76871215-C-T.
Other names: c.1087C>T, p.Pro363Ser (NM_001127180.2); c.1054C>T, p.Pro352Ser (NM_001369365.1); short protein forms P363S, P352S.
Identifiers: ClinVar variation 2739238 (VCV002739238.3), dbSNP rs551190361, ClinGen allele CA6197382.

ClinVar aggregate classification (germline): Uncertain significance (1 of 4 stars; one submission).

Allele frequency attached by ClinVar (database versions not stated): gnomAD 0.00002; ExAC 0.00005; 1000 Genomes Project 0.00060; 1000 Genomes Project 30x 0.00078.
gnomAD v4.1: 5 of 1,559,828 alleles (0.00032%); highest among the groups gnomAD compares: East Asian, 0.012%; no homozygotes.

Submission:

Labcorp Genetics (formerly Invitae), Labcorp
Classification: Uncertain significance. Last evaluated: 2024-01-23. Review status: criteria provided, single submitter. Criteria: Invitae Variant Classification Sherloc (09022015). Collection method: clinical testing. Allele origin: germline.
Comment: This sequence change replaces proline, which is neutral and non-polar, with serine, which is neutral and polar, at codon 363 of the MYO7A protein (p.Pro363Ser). This variant is present in population databases (rs551190361, gnomAD 0.02%). This variant has not been reported in the literature in individuals affected with MYO7A-related conditions. Advanced modeling of protein sequence and biophysical properties (such as structural, functional, and spatial information, amino acid conservation, physicochemical variation, residue mobility, and thermodynamic stability) performed at Invitae indicates that this missense variant is not expected to disrupt MYO7A protein function with a negative predictive value of 95%. In summary, the available evidence is currently insufficient to determine the role of this variant in disease. Therefore, it has been classified as a Variant of Uncertain Significance.